The following is an entry in ClinVar:

NM_203379.2(ACSL5):c.1001G>A (p.Arg334Gln)

Gene: ACSL5 (acyl-CoA synthetase long chain family member 5; plus strand). Cytogenetic location: 10q25.2.
Variant type: single nucleotide variant.
Coding change: c.1001G>A on transcript NM_203379.2 (MANE Select); coding-DNA position 1001, G replaced by A.
Protein change: p.Arg334Gln; replaces arginine 334 with glutamine.
Molecular consequence: missense variant.
Genome position (GRCh38, 1-based): chr10:112,413,225, G>A. VCF-style: chr10-112413225-G-A. GRCh37 (hg19) VCF-style: chr10-114172983-G-A.
Other names: c.1169G>A, p.Arg390Gln (NM_001387037.1, NM_016234.4); c.1001G>A, p.Arg334Gln (NM_203380.2); short protein forms R334Q, R390Q.
Identifiers: ClinVar variation 3778053 (VCV003778053.7).

ClinVar aggregate classification (germline): Likely benign (1 of 4 stars; one submission).

gnomAD v4.1: 503 of 1,614,142 alleles (0.031%); highest among the groups gnomAD compares: Non-Finnish European, 0.012%; 2 homozygotes.

Submission:

CeGaT Center for Human Genetics Tuebingen
Classification: Likely benign. Last evaluated: 2025-03-01. Review status: criteria provided, single submitter. Criteria: CeGaT Center For Human Genetics Tuebingen Variant Classification Criteria Version 2. Collection method: clinical testing. Allele origin: germline. Affected: yes. Observed: 1 variant allele.
Comment: ACSL5: BP4